The following is an entry in ClinVar:

NM_015202.5(KATNIP):c.1658T>C (p.Leu553Pro)

Gene: KATNIP (katanin interacting protein; plus strand). Cytogenetic location: 16p12.1.
Variant type: single nucleotide variant.
Coding change: c.1658T>C on transcript NM_015202.5 (MANE Select); coding-DNA position 1658, T replaced by C.
Protein change: p.Leu553Pro; replaces leucine 553 with proline.
Molecular consequence: missense variant.
Genome position (GRCh38, 1-based): chr16:27,721,610, T>C. VCF-style: chr16-27721610-T-C. GRCh37 (hg19) VCF-style: chr16-27732931-T-C.
Other names: short protein forms L553P.
Identifiers: ClinVar variation 1938579 (VCV001938579.5), dbSNP rs2545031844, ClinGen allele CA395316705.

ClinVar aggregate classification (germline): Uncertain significance (1 of 4 stars; one submission).

Submission:

Labcorp Genetics (formerly Invitae), Labcorp
Classification: Uncertain significance. Last evaluated: 2022-03-29. Review status: criteria provided, single submitter. Criteria: Invitae Variant Classification Sherloc (09022015). Collection method: clinical testing. Allele origin: germline.
Comment: This variant has not been reported in the literature in individuals affected with KIAA0556-related conditions. In summary, the available evidence is currently insufficient to determine the role of this variant in disease. Therefore, it has been classified as a Variant of Uncertain Significance. Algorithms developed to predict the effect of missense changes on protein structure and function are either unavailable or do not agree on the potential impact of this missense change (SIFT: "Deleterious"; PolyPhen-2: "Probably Damaging"; Align-GVGD: "Class C0"). This variant is not present in population databases (gnomAD no frequency). This sequence change replaces leucine, which is neutral and non-polar, with proline, which is neutral and non-polar, at codon 553 of the KIAA0556 protein (p.Leu553Pro).